The following is an entry in ClinVar:

ClinVar aggregate classification (germline): Pathogenic. Review status: reviewed by expert panel (3 of 4 stars). 3 submissions from 3 submitters: Pathogenic (1). 2 of the submissions do not count toward it. Last evaluated 2017-12-15.

Conditions:
Hereditary cancer-predisposing syndrome. Also called: Tumor predisposition; Neoplastic Syndromes, Hereditary; Hereditary Cancer Syndrome; Hereditary neoplastic syndrome. Identifiers: Orphanet 140162, MedGen C0027672, MeSH D009386, MONDO:0015356.
Hereditary breast ovarian cancer syndrome. Also called: Hereditary breast and ovarian cancer; Hereditary breast and ovarian cancer syndrome (HBOC); Breast and ovarian cancer; BRCA1- and BRCA2-Associated Hereditary Breast and Ovarian Cancer; Hereditary breast and ovarian cancer syndrome; Hereditary breast and/or ovarian cancer syndrome. Identifiers: Orphanet 145, MedGen C0677776, MeSH D061325, MONDO:0003582. Disease mechanism: loss of function.
Breast-ovarian cancer, familial, susceptibility to, 2 (BROVCA2). Also called: BRCA2 Hereditary Breast and Ovarian Cancer. Identifiers: Orphanet 145, MedGen C2675520, MONDO:0012933, OMIM 612555. Disease mechanism: loss of function.

Submissions (3):

Evidence-based Network for the Interpretation of Germline Mutant Alleles (ENIGMA)
Classification: Pathogenic for Breast-ovarian cancer, familial, susceptibility to, 2. Last evaluated: 2017-12-15. Review status: reviewed by expert panel. Criteria: ENIGMA BRCA1/2 Classification Criteria (2017-06-29). Collection method: curation. Allele origin: germline. Study: ENIGMA.
Comment: Variant allele predicted to encode a truncated non-functional protein.

Ambry Genetics
Classification: Pathogenic for Hereditary cancer-predisposing syndrome. Last evaluated: 2026-08-08. Review status: criteria provided, single submitter. Criteria: Ambry Variant Classification Scheme 2023. Collection method: clinical testing. Allele origin: germline. Not counted in ClinVar's aggregate classification.
Comment: The c.3688delT pathogenic mutation, located in coding exon 10 of the BRCA2 gene, results from a deletion of one nucleotide at nucleotide position 3688, causing a translational frameshift with a predicted alternate stop codon (p.S1230Lfs*9). This variant is considered to be rare based on population cohorts in the Genome Aggregation Database (gnomAD). This alteration is expected to result in loss of function by premature protein truncation or nonsense-mediated mRNA decay. As such, this alteration is interpreted as a disease-causing mutation.

Labcorp Genetics (formerly Invitae), Labcorp
Classification: Pathogenic for Hereditary breast ovarian cancer syndrome. Last evaluated: 2025-04-27. Review status: criteria provided, single submitter. Criteria: Invitae Variant Classification Sherloc (09022015). Collection method: clinical testing. Allele origin: germline. Not counted in ClinVar's aggregate classification.
Comment: This sequence change creates a premature translational stop signal (p.Ser1230Leufs*9) in the BRCA2 gene. It is expected to result in an absent or disrupted protein product. Loss-of-function variants in BRCA2 are known to be pathogenic (PMID: 20104584). This variant is not present in population databases (gnomAD no frequency). This variant has not been reported in the literature in individuals affected with BRCA2-related conditions. ClinVar contains an entry for this variant (Variation ID: 236855). For these reasons, this variant has been classified as Pathogenic.

Literature cited by the submitters: PubMed 20104584 (cited by Labcorp Genetics (formerly Invitae), Labcorp).

NM_000059.4(BRCA2):c.3688del (p.Ser1230fs)

Gene: BRCA2 (BRCA2 DNA repair associated; plus strand). Cytogenetic location: 13q13.1.
Variant type: Deletion.
Coding change: c.3688del on transcript NM_000059.4 (MANE Select); coding-DNA position 3688, one base deleted (T; older notation c.3688delT).
Protein change: p.Ser1230fs; shifts the reading frame from serine 1230.
Molecular consequence: frameshift variant.
Genome position (GRCh38, 1-based): chr13:32,338,043, T deleted; the last of 3 consecutive T bases (chr13:32,338,041-32,338,043); deleting any one gives the same sequence. VCF-style (leftmost placement, unchanged base first): chr13-32338040-GT-G. GRCh37 (hg19) VCF-style: chr13-32912177-GT-G.
Other names: c.3688delT (NM_000059.3); short protein forms S1230fs.
Identifiers: ClinVar variation 236855 (VCV000236855.10), dbSNP rs878853573, ClinGen allele CA10583093.